The following is an entry in ClinVar:

ClinVar aggregate classification (germline): Pathogenic (1 of 4 stars; one submission).

Conditions:
Fanconi anemia (FA). Also called: Fanconi's anemia. Identifiers: Orphanet 84, MedGen C0015625, MeSH D005199, MONDO:0019391.

Submission:

Natera, Inc.
Classification: Pathogenic for Fanconi anemia. Last evaluated: 2026-01-26. Review status: criteria provided, single submitter. Criteria: Natera Variant Classification Schema (03/2026). Collection method: clinical testing. Allele origin: germline.
Comment: The c.77_79+2delinsCGGGG variant in FANCA is a canonical splice donor site variant predicted to affect pre-mRNA splicing, which may result in an abnormal transcript and altered protein product. This variant is expected to result in nonsense mediated decay, truncation, or a dysfunctional protein product. This variant is rare in the general population with a frequency below the threshold expected for the associated phenotype(s). Another variant at this same site results in an alteration predicted to cause a similar molecular effect has been observed in individual(s) with the associated phenotype. Given the available evidence, this variant is classified as Pathogenic.

NM_000135.4(FANCA):c.77_79+2delinsCGGGG

Genes: FANCA (FA complementation group A; minus strand), LOC112486223 (Sharpr-MPRA regulatory region 3988; plus strand). Cytogenetic location: 16q24.3.
Variant type: Indel.
Coding change: c.77_79+2delinsCGGGG on transcript NM_000135.4 (MANE Select); coding-DNA position 77 through the canonical splice donor site of the intron after coding-DNA position 79, TGGGT replaced by CGGGG.
Molecular consequence: splice donor variant.
Genome position (GRCh38, 1-based): chr16:89,816,535-89,816,539, ACCCA replaced by CCCCG on the plus strand (TGGGT replaced by CGGGG on the coding strand, the reverse complement: FANCA is on the minus strand). VCF-style: chr16-89816535-ACCCA-CCCCG. GRCh37 (hg19) VCF-style: chr16-89882943-ACCCA-CCCCG.
Other names: c.77_79+2delinsCGGGG (NM_001286167.3, NM_001351830.2, NM_001018112.3).
Identifiers: ClinVar variation 4817539 (VCV004817539.1).